The following is an entry in ClinVar:

ClinVar aggregate classification (germline): Uncertain significance. Review status: criteria provided, single submitter (1 of 4 stars). 2 submissions from 2 submitters: Uncertain significance (1). 1 of the submissions does not count toward it. Last evaluated 2021-08-24.

Conditions:
Zellweger spectrum disorders (ZS). Also called: Zellweger syndrome; Zellweger Spectrum Disorder (ZSD); Zellweger Spectrum Disorder; Zellweger Spectrum. Identifiers: Orphanet 912, MedGen C0043459, MONDO:0019609.

Allele frequency attached by ClinVar (database versions not stated): gnomAD exomes below 0.00001 and 0.00001; gnomAD 0.00001; TOPMed 0.00001; ExAC 0.00002.
gnomAD v4.1: 4 of 1,613,188 alleles (0.00025%); highest among the groups gnomAD compares: Non-Finnish European, 0.00034%; no homozygotes.

Submissions (2):

Labcorp Genetics (formerly Invitae), Labcorp
Classification: Uncertain significance for Zellweger spectrum disorders. Last evaluated: 2021-08-24. Review status: criteria provided, single submitter. Criteria: Invitae Variant Classification Sherloc (09022015). Collection method: clinical testing. Allele origin: germline.
Comment: This sequence change replaces threonine with proline at codon 181 of the PEX1 protein (p.Thr181Pro). The threonine residue is moderately conserved and there is a small physicochemical difference between threonine and proline. This variant is present in population databases (rs775093154, ExAC 0.003%). This variant has not been reported in the literature in individuals affected with PEX1-related conditions. Algorithms developed to predict the effect of missense changes on protein structure and function (SIFT, PolyPhen-2, Align-GVGD) all suggest that this variant is likely to be tolerated. In summary, the available evidence is currently insufficient to determine the role of this variant in disease. Therefore, it has been classified as a Variant of Uncertain Significance.

Natera, Inc.
Classification: Uncertain significance for Zellweger syndrome. Last evaluated: 2020-09-16. Review status: no assertion criteria provided. Collection method: clinical testing. Allele origin: germline. Not counted in ClinVar's aggregate classification.

NM_000466.3(PEX1):c.541A>C (p.Thr181Pro)

Gene: PEX1 (peroxisomal biogenesis factor 1; minus strand). Cytogenetic location: 7q21.2.
Variant type: single nucleotide variant.
Coding change: c.541A>C on transcript NM_000466.3 (MANE Select); coding-DNA position 541, A replaced by C.
Protein change: p.Thr181Pro; replaces threonine 181 with proline.
Molecular consequence: missense variant. On other transcripts: 5 prime UTR variant (1).
Genome position (GRCh38, 1-based): chr7:92,517,974, T>G on the plus strand (A>C on the coding strand, the complement: PEX1 is on the minus strand). VCF-style: chr7-92517974-T-G. GRCh37 (hg19) VCF-style: chr7-92147288-T-G.
Other names: c.541A>C, p.Thr181Pro (NM_001282677.2); c.-84A>C (NM_001282678.2); short protein forms T181P.
Identifiers: ClinVar variation 849101 (VCV000849101.8), dbSNP rs775093154, ClinGen allele CA4341579.